The following is an entry in ClinVar:

ClinVar aggregate classification (germline): Uncertain significance. Review status: criteria provided, multiple submitters, no conflicts (2 of 4 stars). 5 submissions from 5 submitters: Uncertain significance (5). Last evaluated 2026-01-07.

Conditions:
Inborn genetic diseases. Identifiers: MedGen C0950123, MeSH D030342.
Muscle AMP deaminase deficiency (MMDD). Also called: ADENOSINE MONOPHOSPHATE DEAMINASE-1 DEFICIENCY, MYOPATHY DUE TO; Myoadenylate deaminase deficiency, myopathy due to; Adenosine monophosphate deaminase 1 deficiency; AMP deaminase 1 deficiency; Adenosine Monophosphate Deaminase 1; AMPD1 DEFICIENCY. Identifiers: Orphanet 45, MedGen C3714933, MONDO:0014220, OMIM 615511.

Allele frequency attached by ClinVar (database versions not stated): 1000 Genomes Project 30x 0.00016; 1000 Genomes Project 0.00020; TOPMed 0.00025; gnomAD 0.00027 and 0.00029; gnomAD exomes 0.00028 and 0.00052; ESP Exome Variant Server 0.00031; ExAC 0.00032.
gnomAD v4.1: 793 of 1,614,218 alleles (0.049%); highest among the groups gnomAD compares: Non-Finnish European, 0.065%; no homozygotes.

Submissions (5):

Labcorp Genetics (formerly Invitae), Labcorp
Classification: Uncertain significance for Muscle AMP deaminase deficiency. Last evaluated: 2026-01-07. Review status: criteria provided, single submitter. Criteria: Invitae Variant Classification Sherloc (09022015). Collection method: clinical testing. Allele origin: germline.
Comment: This sequence change replaces glutamine, which is neutral and polar, with arginine, which is basic and polar, at codon 357 of the AMPD1 protein (p.Gln357Arg). This variant is present in population databases (rs150190849, gnomAD 0.05%). This variant has not been reported in the literature in individuals affected with AMPD1-related conditions. ClinVar contains an entry for this variant (Variation ID: 596387). Invitae Evidence Modeling of protein sequence and biophysical properties (such as structural, functional, and spatial information, amino acid conservation, physicochemical variation, residue mobility, and thermodynamic stability) indicates that this missense variant is not expected to disrupt AMPD1 protein function with a negative predictive value of 80%. In summary, the available evidence is currently insufficient to determine the role of this variant in disease. Therefore, it has been classified as a Variant of Uncertain Significance.

Ambry Genetics
Classification: Uncertain significance for Inborn genetic diseases. Last evaluated: 2025-08-06. Review status: criteria provided, single submitter. Criteria: Ambry Variant Classification Scheme 2023. Collection method: clinical testing. Allele origin: germline.

Revvity Omics, Revvity
Classification: Uncertain significance for Muscle AMP deaminase deficiency. Last evaluated: 2019-06-17. Review status: criteria provided, single submitter. Criteria: ACMG Guidelines, 2015. Collection method: clinical testing. Allele origin: germline.

Eurofins Ntd Llc (ga)
Classification: Uncertain significance. Last evaluated: 2018-03-29. Review status: criteria provided, single submitter. Criteria: EGL ClinVar v180209 classification definitions. Collection method: clinical testing. Allele origin: germline. Observed: 1 variant allele, 1 heterozygote.

CeGaT Center for Human Genetics Tuebingen
Classification: Uncertain significance. Last evaluated: 2017-11-01. Review status: criteria provided, single submitter. Criteria: CeGaT Center For Human Genetics Tuebingen Variant Classification Criteria Version 2. Collection method: clinical testing. Allele origin: germline. Affected: yes. Observed: 1 variant allele.

NM_000036.3(AMPD1):c.971A>G (p.Gln324Arg)

Gene: AMPD1 (adenosine monophosphate deaminase 1; minus strand). Cytogenetic location: 1p13.2.
Variant type: single nucleotide variant.
Coding change: c.971A>G on transcript NM_000036.3 (MANE Select); coding-DNA position 971, A replaced by G.
Protein change: p.Gln324Arg; replaces glutamine 324 with arginine.
Molecular consequence: missense variant.
Genome position (GRCh38, 1-based): chr1:114,678,454, T>C on the plus strand (A>G on the coding strand, the complement: AMPD1 is on the minus strand). VCF-style: chr1-114678454-T-C. GRCh37 (hg19) VCF-style: chr1-115221075-T-C.
Other names: c.959A>G, p.Gln320Arg (NM_001172626.2); c.1070A>G (NM_000036.2); short protein forms Q320R, Q324R.
Identifiers: ClinVar variation 596387 (VCV000596387.56), dbSNP rs150190849, ClinGen allele CA1020251.